The following is an entry in ClinVar:

ClinVar aggregate classification (germline): Uncertain significance. Review status: criteria provided, multiple submitters, no conflicts (2 of 4 stars). 9 submissions from 7 submitters: Uncertain significance (8). 1 of the submissions does not count toward it. Last evaluated 2026-02-21.

Conditions:
RPGRIP1L-related disorder. Also called: RPGRIP1L-related disorders; RPGRIP1L-related condition. Identifiers: MedGen CN239416.
Joubert syndrome. Also called: Familial aplasia of the vermis; JOUBERT-BOLTSHAUSER SYNDROME. Identifiers: Orphanet 475, MedGen C5979921, MONDO:0018772.
Meckel-Gruber syndrome. Also called: DYSENCEPHALIA SPLANCHNOCYSTICA; GRUBER SYNDROME; Dysencephalia splachnocystica. Identifiers: Orphanet 564, MedGen C0265215, MONDO:0018921.
Joubert syndrome 7 (JBTS7). Identifiers: Orphanet 220497, MedGen C1969053, MONDO:0012694, OMIM 611560.
Inborn genetic diseases. Identifiers: MedGen C0950123, MeSH D030342.
Meckel syndrome, type 5 (MKS5). Identifiers: Orphanet 564, MedGen C1969052, MONDO:0012695, OMIM 611561.
COACH syndrome 3. Identifiers: MedGen C5436841, MONDO:0030862, OMIM 619113.
Nephronophthisis 8. Identifiers: MedGen CN119610.

Allele frequency attached by ClinVar (database versions not stated): gnomAD 0.00005; gnomAD exomes 0.00008; TOPMed 0.00013; ESP Exome Variant Server 0.00015; ExAC 0.00016.
gnomAD v4.1: 99 of 1,600,434 alleles (0.0062%); highest among the groups gnomAD compares: East Asian, 0.081%; no homozygotes.

Submissions (9):

PreventionGenetics, part of Exact Sciences
Classification: Uncertain significance for RPGRIP1L-related condition. Last evaluated: 2026-02-21. Review status: criteria provided, single submitter. Criteria: ACMG Guidelines, 2015. Collection method: clinical testing. Allele origin: germline.
Comment: The RPGRIP1L c.1331G>A variant is predicted to result in the amino acid substitution p.Arg444His. To our knowledge, this variant has not been reported in the literature. This variant is reported in 0.047% of alleles in individuals of East Asian descent in gnomAD. At this time, the clinical significance of this variant is uncertain due to the absence of conclusive functional and genetic evidence.

Dasa
Classification: Uncertain significance. Last evaluated: 2025-11-11. Review status: criteria provided, single submitter. Criteria: DASA Assertion Criteria. Collection method: clinical testing. Allele origin: germline.
Comment: NM_015272.5(RPGRIP1L):c.1331G>A (p.Arg444His) is a missense variant that results in the substitution of arginine with histidine. This variant is rare in population databases. The currently available literature and clinical evidence are not sufficient to establish a definitive association between this variant and the reported condition. Therefore, this variant is classified as a variant of uncertain significance.

Ambry Genetics
Classification: Uncertain significance for Inborn genetic diseases. Last evaluated: 2025-04-03. Review status: criteria provided, single submitter. Criteria: Ambry Variant Classification Scheme 2023. Collection method: clinical testing. Allele origin: germline.

Fulgent Genetics
Classification: Uncertain significance for Joubert syndrome 7; Meckel syndrome, type 5; COACH syndrome 3. Last evaluated: 2024-04-11. Review status: criteria provided, single submitter. Criteria: ACMG Guidelines, 2015. Collection method: clinical testing. Allele origin: germline.

Labcorp Genetics (formerly Invitae), Labcorp
Classification: Uncertain significance for Joubert syndrome; Meckel-Gruber syndrome. Last evaluated: 2022-10-13. Review status: criteria provided, single submitter. Criteria: Invitae Variant Classification Sherloc (09022015). Collection method: clinical testing. Allele origin: germline.
Comment: This sequence change replaces arginine, which is basic and polar, with histidine, which is basic and polar, at codon 444 of the RPGRIP1L protein (p.Arg444His). This variant is present in population databases (rs76600508, gnomAD 0.05%). This variant has not been reported in the literature in individuals affected with RPGRIP1L-related conditions. ClinVar contains an entry for this variant (Variation ID: 319663). Advanced modeling of protein sequence and biophysical properties (such as structural, functional, and spatial information, amino acid conservation, physicochemical variation, residue mobility, and thermodynamic stability) performed at Invitae indicates that this missense variant is not expected to disrupt RPGRIP1L protein function. In summary, the available evidence is currently insufficient to determine the role of this variant in disease. Therefore, it has been classified as a Variant of Uncertain Significance.

Illumina Laboratory Services, Illumina
Classification: Uncertain significance for Nephronophthisis 8. Last evaluated: 2018-01-12. Review status: criteria provided, single submitter. Criteria: ICSL Variant Classification Criteria 13 December 2019. Collection method: clinical testing. Allele origin: germline.

Illumina Laboratory Services, Illumina
Classification: Uncertain significance for Joubert syndrome 7. Last evaluated: 2018-01-12. Review status: criteria provided, single submitter. Criteria: ICSL Variant Classification Criteria 13 December 2019. Collection method: clinical testing. Allele origin: germline.

Illumina Laboratory Services, Illumina
Classification: Uncertain significance for Meckel syndrome, type 5. Last evaluated: 2018-01-12. Review status: criteria provided, single submitter. Criteria: ICSL Variant Classification Criteria 13 December 2019. Collection method: clinical testing. Allele origin: germline.

Natera, Inc.
Classification: Uncertain significance for Joubert syndrome. Last evaluated: 2020-09-16. Review status: no assertion criteria provided. Collection method: clinical testing. Allele origin: germline. Not counted in ClinVar's aggregate classification.

NM_015272.5(RPGRIP1L):c.1331G>A (p.Arg444His)

Gene: RPGRIP1L (RPGRIP1 like; minus strand). Cytogenetic location: 16q12.2.
Variant type: single nucleotide variant.
Coding change: c.1331G>A on transcript NM_015272.5 (MANE Select); coding-DNA position 1331, G replaced by A.
Protein change: p.Arg444His; replaces arginine 444 with histidine.
Molecular consequence: missense variant.
Genome position (GRCh38, 1-based): chr16:53,658,791, C>T on the plus strand (G>A on the coding strand, the complement: RPGRIP1L is on the minus strand). VCF-style: chr16-53658791-C-T. GRCh37 (hg19) VCF-style: chr16-53692703-C-T.
Other names: c.1331G>A, p.Arg444His (NM_001127897.4, NM_001308334.3, NM_001330538.2); c.1331G>A (NM_015272.4); short protein forms R444H.
Identifiers: ClinVar variation 319663 (VCV000319663.18), dbSNP rs76600508, ClinGen allele CA8057847.
Genomic context (GRCh38, chr16:53,658,791, plus strand): 5'-AAAATTCTGAGTTTTATTTCTTAAATAAGGAAATAATTCACCTGGTTGTACAATTTTATG[C>T]GTTTTTTAAGTTCATCAAGTTGTTGCTTTTGTTCCAGATACTGTAACTGTAGTTCTCTAT-3'
Protein context (NP_056087.2, residues 434-454): QKQQLDELKK[Arg444His]IKLYNQENDI